The following is an entry in ClinVar:

NM_000101.4(CYBA):c.246del (p.Phe83fs)

Gene: CYBA (cytochrome b-245 alpha chain; minus strand). Cytogenetic location: 16q24.2.
Variant type: Deletion.
Coding change: c.246del on transcript NM_000101.4 (MANE Select); coding-DNA position 246, one base deleted (C; older notation c.246delC).
Protein change: p.Phe83fs; shifts the reading frame from phenylalanine 83.
Molecular consequence: frameshift variant.
Genome position (GRCh38, 1-based): chr16:88,646,796, G deleted on the plus strand (C on the coding strand, the reverse complement: CYBA is on the minus strand); the first of 3 consecutive G bases (chr16:88,646,796-88,646,798); deleting any one gives the same sequence. VCF-style (leftmost placement, unchanged base first): chr16-88646795-AG-A. GRCh37 (hg19) VCF-style: chr16-88713203-AG-A.
Other names: c.246delC (NM_000101.3, NM_000101.4); short protein forms F83fs.
Identifiers: ClinVar variation 619030 (VCV000619030.20), dbSNP rs1439134665, ClinGen allele CA497071655.
Genomic context (GRCh38, chr16:88,646,795, plus strand): 5'-GGTGCGGGACGGGGACTCACAGGAGATGCAGGACGGCCCGAACATAGTAATTCCTGGTAA[AG>A]GGCCCGAACAGCTTCACCACGGCGGTCATGTACTTCTGTCCCCTGGGGGAGGGAGGAAGG-3'

ClinVar aggregate classification (germline): Pathogenic/Likely pathogenic. Review status: criteria provided, multiple submitters, no conflicts (2 of 4 stars). 8 submissions from 8 submitters: Pathogenic (4); Likely pathogenic (2). 2 of the submissions do not count toward it. Last evaluated 2025-08-04.

Conditions:
Granulomatous disease, chronic, autosomal recessive, cytochrome b-negative. Also called: GRANULOMATOUS DISEASE, CHRONIC, AUTOSOMAL RECESSIVE, 4; CGD DUE TO DEFICIENCY OF THE ALPHA SUBUNIT OF CYTOCHROME b; CGD, AUTOSOMAL RECESSIVE CYTOCHROME b-NEGATIVE; CYBA DEFICIENCY; Chronic granulomatous disease, autosomal, due to deficiency of CYBA. Identifiers: Orphanet 379, MedGen C1856255, MONDO:0009308, OMIM 233690.
Chronic granulomatous disease. Identifiers: Orphanet 379, MedGen C0018203, MONDO:0018305.
CYBA-related disorder. Also called: CYBA-related condition.

Submissions (8):

Labcorp Genetics (formerly Invitae), Labcorp
Classification: Pathogenic for Granulomatous disease, chronic, autosomal recessive, cytochrome b-negative. Last evaluated: 2025-08-04. Review status: criteria provided, single submitter. Criteria: Invitae Variant Classification Sherloc (09022015). Collection method: clinical testing. Allele origin: germline.
Comment: This sequence change creates a premature translational stop signal (p.Phe83Leufs*108) in the CYBA gene. While this is not anticipated to result in nonsense mediated decay, it is expected to disrupt the last 113 amino acid(s) of the CYBA protein. This variant is not present in population databases (gnomAD no frequency). This premature translational stop signal has been observed in individuals with chronic granulomatous disease (PMID: 2243141, 31364312). This variant is also known as 'C-272 deletion'. ClinVar contains an entry for this variant (Variation ID: 619030). This variant disrupts a region of the CYBA protein in which other variant(s) (p.Ile116Leufs*75) have been determined to be pathogenic (internal data). This suggests that this is a clinically significant region of the protein, and that variants that disrupt it are likely to be disease-causing. For these reasons, this variant has been classified as Pathogenic.

Myriad Genetics, Inc.
Classification: Pathogenic for Granulomatous disease, chronic, autosomal recessive, cytochrome b-negative. Last evaluated: 2025-07-28. Review status: criteria provided, single submitter. Criteria: Myriad Autosomal Dominant, Autosomal Recessive and X-Linked Classification Criteria (2023). Collection method: clinical testing. Allele origin: unknown.
Comment: NM_000101.3(CYBA):c.246delC(F83Lfs*108) is a frameshift variant classified as pathogenic in the context of chronic granulomatous disease, CYBA-related. F83Lfs*108 has been observed in a case with relevant disease (PMID: 2243141). Relevant functional assessments of this variant are not available in the literature. F83Lfs*108 has not been observed in referenced population frequency databases. In summary, NM_000101.3(CYBA):c.246delC(F83Lfs*108) is a frameshift variant in a gene where loss of function is a known mechanism of disease, is predicted to disrupt protein function, and has been observed more frequently in cases with the relevant disease than in healthy populations. Please note: this variant was assessed in the context of healthy population screening.

Natera, Inc.
Classification: Pathogenic for Chronic granulomatous disease. Last evaluated: 2025-04-07. Review status: criteria provided, single submitter. Criteria: Natera Variant Classification Schema (03/2026). Collection method: clinical testing. Allele origin: germline.
Comment: The c.246delC variant in CYBA is a frameshift variant predicted to shift the reading frame beginning at codon 83 and leads to a stop codon 108 codons downstream. This variant is expected to result in nonsense mediated decay, truncation, or a dysfunctional protein product. This variant is rare in the general population with a frequency below the threshold expected for the associated phenotype(s). This variant has been observed in one or more individuals affected with the associated recessive disease, as either homozygous or compound heterozygous with a second variant (PMID: 21190454, 2243141, 10910929). Given the available evidence, this variant is classified as Pathogenic.

Blueprint Genetics
Classification: Likely pathogenic for CYBA-related disorders. Last evaluated: 2024-03-21. Review status: criteria provided, single submitter. Criteria: ACMG Guidelines, 2015. Collection method: clinical testing. Allele origin: germline. Affected: yes. Observed: 2 variant alleles.

Genetic Services Laboratory, University of Chicago
Classification: Likely pathogenic. Last evaluated: 2019-04-01. Review status: criteria provided, single submitter. Criteria: ACMG Guidelines, 2015. Collection method: clinical testing. Allele origin: germline. Affected: yes.
Comment: DNA sequence analysis of the CYBA gene demonstrated a single base pair deletion in exon 4, c.246del. This pathogenic sequence change results in an amino acid frameshift and creates a premature stop codon 107 amino acids downstream of the mutation, p.Phe83Leufs*108. This likely pathogenic sequence change is predicted to result in an abnormal transcript, which may be degraded, or may lead to the production of a truncated CYBA protein with potentially abnormal function. This pathogenic sequence change has previously been described in a patient with chronic granulomatous disease, in compound heterozygous state with a missense variant (PMID: 2243141).

Blood Cell Research, Sanquin
Classification: Pathogenic for Granulomatous disease, chronic, autosomal recessive, cytochrome b-negative. Last evaluated: 2019-02-19. Review status: criteria provided, single submitter. Criteria: Submitter's publication. Collection method: clinical testing. Allele origin: germline. Inheritance: Autosomal recessive inheritance. Affected: yes.
Comment: Apparently, this variation created a cryptic splice site that was preferred over the original acceptor splice site, because cDNA analysis showed inclusion of 14 nucleotides from intron 4 (c.288-14_-1) into the mRNA. This mutation predicts p.Leu97ArgfsTer94.

PreventionGenetics, part of Exact Sciences
Classification: Likely pathogenic for CYBA-related condition. Last evaluated: 2024-05-09. Review status: no assertion criteria provided. Collection method: clinical testing. Allele origin: germline. Not counted in ClinVar's aggregate classification.
Comment: The CYBA c.246delC variant is predicted to result in a frameshift and premature protein termination (p.Phe83Leufs*108). This variant has been reported in multiple individuals with chronic granulomatous disease (Figure 6, Dinauer et al. 1990. PubMed ID: 2243141; de Boer et al. 2019. PubMed ID: 31364312; Table 1, Roos et al. 2021. PubMed ID: 34547651). This variant has not been reported in a large population database, indicating this variant is rare. Frameshift variants in CYBA are expected to be pathogenic. This variant is interpreted as likely pathogenic.

OMIM
Classification: Pathogenic for GRANULOMATOUS DISEASE, CHRONIC, AUTOSOMAL RECESSIVE, 4. Last evaluated: 1990-11-01. Review status: no assertion criteria provided. Collection method: literature only. Allele origin: germline. Not counted in ClinVar's aggregate classification.

Literature cited by the submitters: PubMed 2243141 (cited by 4 submitters); PubMed 31364312 (cited by Labcorp Genetics (formerly Invitae), Labcorp); PubMed 21190454 (cited by Natera, Inc.); PubMed 10910929 (cited by Natera, Inc.); PubMed 3571224 (cited by OMIM).